The following is an entry in ClinVar:

ClinVar aggregate classification (germline): Uncertain significance (1 of 4 stars; one submission).

Conditions:
EGFR-related lung cancer (EGFR). Identifiers: MedGen CN130014.

Submission:

Labcorp Genetics (formerly Invitae), Labcorp
Classification: Uncertain significance for EGFR-related lung cancer. Last evaluated: 2023-02-20. Review status: criteria provided, single submitter. Criteria: Invitae Variant Classification Sherloc (09022015). Collection method: clinical testing. Allele origin: germline.
Comment: In summary, the available evidence is currently insufficient to determine the role of this variant in disease. Therefore, it has been classified as a Variant of Uncertain Significance. Variants that disrupt the consensus splice site are a relatively common cause of aberrant splicing (PMID: 17576681, 9536098). Algorithms developed to predict the effect of sequence changes on RNA splicing suggest that this variant may create or strengthen a splice site. This variant has not been reported in the literature in individuals affected with EGFR-related conditions. This variant is not present in population databases (gnomAD no frequency). This sequence change falls in intron 23 of the EGFR gene. It does not directly change the encoded amino acid sequence of the EGFR protein. It affects a nucleotide within the consensus splice site.

Literature cited by the submitters: PubMed 17576681; PubMed 9536098.

NM_005228.5(EGFR):c.2849-3C>G

Gene: EGFR (epidermal growth factor receptor; plus strand). Cytogenetic location: 7p11.2.
Variant type: single nucleotide variant.
Coding change: c.2849-3C>G on transcript NM_005228.5 (MANE Select); 3 bases into the intron before coding-DNA position 2849, C replaced by G.
Molecular consequence: intron variant.
Genome position (GRCh38, 1-based): chr7:55,200,313, C>G. VCF-style: chr7-55200313-C-G. GRCh37 (hg19) VCF-style: chr7-55268006-C-G.
Other names: c.2714-3C>G (NM_001346899.2, NM_001346897.2); c.2048-3C>G (NM_001346941.2); c.2849-3C>G (NM_001346898.2); c.2690-3C>G (NM_001346900.2).
Identifiers: ClinVar variation 2089957 (VCV002089957.4), dbSNP rs1787789638, ClinGen allele CA1101538899.